The following is an entry in ClinVar:

NM_017999.5(RNF31):c.1847G>A (p.Arg616His)

Gene: RNF31 (ring finger protein 31; plus strand). Cytogenetic location: 14q12.
Variant type: single nucleotide variant.
Coding change: c.1847G>A on transcript NM_017999.5 (MANE Select); coding-DNA position 1847, G replaced by A.
Protein change: p.Arg616His; replaces arginine 616 with histidine.
Molecular consequence: missense variant.
Genome position (GRCh38, 1-based): chr14:24,151,594, G>A. VCF-style: chr14-24151594-G-A. GRCh37 (hg19) VCF-style: chr14-24620803-G-A.
Other names: c.1394G>A, p.Arg465His (NM_001310332.2); short protein forms R616H, R465H.
Identifiers: ClinVar variation 1910277 (VCV001910277.8), dbSNP rs1360365695, ClinGen allele CA389298513.
Genomic context (GRCh38, chr14:24,151,594, plus strand): 5'-AGGCATTGTTCCAGCACGGAGGTGATGTGTCACGGGCCCTGACTGAGCTACAGCGCCAAC[G>A]CCTAGAGCCCTTCCGCCAGCGCCTCTGGGACAGTGGCCCTGAGCCCACCCCTTCCTGGGA-3'
Protein context (NP_060469.4, residues 606-626): SRALTELQRQ[Arg616His]LEPFRQRLWD

ClinVar aggregate classification (germline): Uncertain significance. Review status: criteria provided, multiple submitters, no conflicts (2 of 4 stars). 3 submissions from 3 submitters: Uncertain significance (2). 1 of the submissions does not count toward it. Last evaluated 2025-11-27.

Conditions:
RNF31-related disorder. Also called: RNF31-related condition.

Allele frequency attached by ClinVar (database versions not stated): gnomAD 0.00001; gnomAD exomes 0.00001; TOPMed 0.00003.

Submissions (3):

Labcorp Genetics (formerly Invitae), Labcorp
Classification: Uncertain significance. Last evaluated: 2025-11-27. Review status: criteria provided, single submitter. Criteria: Invitae Variant Classification Sherloc (09022015). Collection method: clinical testing. Allele origin: germline.
Comment: This sequence change replaces arginine, which is basic and polar, with histidine, which is basic and polar, at codon 616 of the RNF31 protein (p.Arg616His). This variant is present in population databases (no rsID available, gnomAD 0.003%). This variant has not been reported in the literature in individuals affected with RNF31-related conditions. ClinVar contains an entry for this variant (Variation ID: 1910277). An algorithm developed to predict the effect of missense changes on protein structure and function (PolyPhen-2) suggests that this variant is likely to be disruptive. In summary, the available evidence is currently insufficient to determine the role of this variant in disease. Therefore, it has been classified as a Variant of Uncertain Significance.

Ambry Genetics
Classification: Uncertain significance. Last evaluated: 2023-11-29. Review status: criteria provided, single submitter. Criteria: Ambry Variant Classification Scheme 2023. Collection method: clinical testing. Allele origin: germline.

PreventionGenetics, part of Exact Sciences
Classification: Uncertain significance for RNF31-related condition. Last evaluated: 2023-12-13. Review status: no assertion criteria provided. Collection method: clinical testing. Allele origin: germline. Not counted in ClinVar's aggregate classification.
Comment: The RNF31 c.1847G>A variant is predicted to result in the amino acid substitution p.Arg616His. To our knowledge, this variant has not been reported in the literature. This variant is reported in 0.0033% of alleles in individuals of South Asian descent in gnomAD. At this time, the clinical significance of this variant is uncertain due to the absence of conclusive functional and genetic evidence.